The following is an entry in ClinVar:

ClinVar aggregate classification (germline): Benign (1 of 4 stars; one submission).

Allele frequency attached by ClinVar (database versions not stated): 1000 Genomes Project 30x 0.00172; 1000 Genomes Project 0.00180; TOPMed 0.00613; gnomAD 0.00671 and 0.00684; gnomAD exomes 0.01138.
gnomAD v4.1: 1,730 of 216,670 alleles (0.8%); highest among the groups gnomAD compares: East Asian, 1.3%; 10 homozygotes.

Submission:

CeGaT Center for Human Genetics Tuebingen
Classification: Benign. Last evaluated: 2026-09-01. Review status: criteria provided, single submitter. Criteria: CeGaT Center For Human Genetics Tuebingen Variant Classification Criteria Version 2. Collection method: clinical testing. Allele origin: germline. Affected: yes. Observed: 45 variant alleles.
Comment: BRD4: BS1, BS2

NM_001379291.1(BRD4):c.2159-3571A>C

Gene: BRD4 (bromodomain containing 4; minus strand). Cytogenetic location: 19p13.12.
Variant type: single nucleotide variant.
Coding change: c.2159-3571A>C on transcript NM_001379291.1 (MANE Select); 3571 bases into the intron before coding-DNA position 2159, A replaced by C.
Molecular consequence: intron variant. On other transcripts: 3 prime UTR variant (2).
Genome position (GRCh38, 1-based): chr19:15,248,333, T>G on the plus strand (A>C on the coding strand, the complement: BRD4 is on the minus strand). VCF-style: chr19-15248333-T-G. GRCh37 (hg19) VCF-style: chr19-15359144-T-G.
Other names: c.*947A>C (NM_001379292.1, NM_014299.3); c.2159-3571A>C (NM_058243.3).
Identifiers: ClinVar variation 1694904 (VCV001694904.31), dbSNP rs145926975, ClinGen allele CA305794877.
Genomic context (GRCh38, chr19:15,248,333, plus strand): 5'-CCCAACCCCAGGGGCTGTCGTCATTCTAAGGGACTGAAGACGGGGAAAATGTTCACACTG[T>G]TAACACCAGTCAGAGGTGTCCATGGGGCAGTCCCTGAGGGTCTGTGACACCCTCTCTGGT-3'